The following is an entry in ClinVar:

ClinVar aggregate classification (germline): Benign. Review status: criteria provided, single submitter (1 of 4 stars). 2 submissions from 2 submitters: Benign (1). 1 of the submissions does not count toward it. Last evaluated 2023-08-04.

Conditions:
MPIG6B-related disorder. Also called: MPIG6B-related condition.

Allele frequency attached by ClinVar (database versions not stated): ESP Exome Variant Server 0.02709; TOPMed 0.03079; 1000 Genomes Project 30x 0.03560; gnomAD exomes 0.00431; 1000 Genomes Project 0.03415; ExAC 0.01090; gnomAD 0.02695.
gnomAD v4.1: 10,673 of 1,608,086 alleles (0.66%); highest among the groups gnomAD compares: African/African-American, 8.6%; 325 homozygotes.

Submissions (2):

Mayo Clinic Laboratories, Mayo Clinic
Classification: Benign. Last evaluated: 2023-08-04. Review status: criteria provided, single submitter. Criteria: ACMG Guidelines, 2015. Collection method: clinical testing. Allele origin: germline. Observed: 18 variant alleles.

PreventionGenetics, part of Exact Sciences
Classification: Benign for MPIG6B-related condition. Last evaluated: 2019-12-23. Review status: no assertion criteria provided. Collection method: clinical testing. Allele origin: germline. Not counted in ClinVar's aggregate classification.
Comment: This variant is classified as benign based on ACMG/AMP sequence variant interpretation guidelines (Richards et al. 2015 PMID: 25741868, with internal and published modifications).

NM_138272.3(MPIG6B):c.312C>A (p.Gly104=)

Gene: MPIG6B (megakaryocyte and platelet inhibitory receptor G6b; plus strand). Cytogenetic location: 6p21.33.
Variant type: single nucleotide variant.
Coding change: c.312C>A on transcript NM_138272.3 (MANE Select); coding-DNA position 312, C replaced by A.
Protein change: p.Gly104=; no amino-acid change (glycine 104 retained).
Molecular consequence: synonymous variant.
Genome position (GRCh38, 1-based): chr6:31,723,889, C>A. VCF-style: chr6-31723889-C-A. GRCh37 (hg19) VCF-style: chr6-31691666-C-A.
Other names: p.Gly104=; c.312C>A, p.Gly104= (NM_025260.4, NM_138273.3, NM_138274.3 and 2 more transcripts).
Identifiers: ClinVar variation 3055478 (VCV003055478.3), dbSNP rs4947252, ClinGen allele CA3720305.